The following is an entry in ClinVar:

NM_020937.4(FANCM):c.2605_2606del (p.Glu869fs)

Gene: FANCM (FA complementation group M; plus strand). Cytogenetic location: 14q21.2.
Variant type: Deletion.
Coding change: c.2605_2606del on transcript NM_020937.4 (MANE Select); coding-DNA positions 2605 to 2606, 2 bases deleted (GA; older notation c.2605_2606delGA).
Protein change: p.Glu869fs; shifts the reading frame from glutamic acid 869.
Molecular consequence: frameshift variant.
Genome position (GRCh38, 1-based): chr14:45,175,359-45,175,360, GA deleted; deleting any 2 consecutive bases within chr14:45,175,358-45,175,360 gives the same sequence; the c. name uses the placement nearest the transcript's 3' end. VCF-style (leftmost placement, unchanged base first): chr14-45175357-AAG-A. GRCh37 (hg19) VCF-style: chr14-45644560-AAG-A.
Other names: c.2527_2528del, p.Glu843fs (NM_001308133.2); short protein forms E869fs, E843fs.
Identifiers: ClinVar variation 2166893 (VCV002166893.4), dbSNP rs753179766, ClinGen allele CA7169377.
Genomic context (GRCh38, chr14:45,175,357, plus strand): 5'-CTAAAATTGTTTCTTTAAAGAAAAAAGTGTCTAAAGAAATAAAAAAAGATCAGCTTAAAA[AAG>A]AAAATAATCACGGTATTATAGATTCTGTAGATAATGACAGAAATTCCACTGTTGAAAATA-3'

ClinVar aggregate classification (germline): Pathogenic (1 of 4 stars; one submission).

Conditions:
Fanconi anemia (FA). Also called: Fanconi's anemia. Identifiers: Orphanet 84, MedGen C0015625, MeSH D005199, MONDO:0019391.

Submission:

Labcorp Genetics (formerly Invitae), Labcorp
Classification: Pathogenic for Fanconi anemia. Last evaluated: 2022-07-09. Review status: criteria provided, single submitter. Criteria: Invitae Variant Classification Sherloc (09022015). Collection method: clinical testing. Allele origin: germline.
Comment: For these reasons, this variant has been classified as Pathogenic. This variant has not been reported in the literature in individuals affected with FANCM-related conditions. The frequency data for this variant in the population databases is considered unreliable, as metrics indicate poor data quality at this position in the gnomAD database. This sequence change creates a premature translational stop signal (p.Glu869Lysfs*2) in the FANCM gene. It is expected to result in an absent or disrupted protein product. Loss-of-function variants in FANCM are known to be pathogenic (PMID: 29895858, 30075111).

Literature cited by the submitters: PubMed 29895858; PubMed 30075111.